The following is an entry in ClinVar:

NM_001940.4(ATN1):c.467C>T (p.Ala156Val)

Gene: ATN1 (atrophin 1; plus strand). Cytogenetic location: 12p13.31.
Variant type: single nucleotide variant.
Coding change: c.467C>T on transcript NM_001940.4 (MANE Select); coding-DNA position 467, C replaced by T.
Protein change: p.Ala156Val; replaces alanine 156 with valine.
Molecular consequence: missense variant.
Genome position (GRCh38, 1-based): chr12:6,935,734, C>T. VCF-style: chr12-6935734-C-T. GRCh37 (hg19) VCF-style: chr12-7044897-C-T.
Other names: c.467C>T, p.Ala156Val (NM_001007026.2); short protein forms A156V.
Identifiers: ClinVar variation 2497949 (VCV002497949.1), dbSNP rs1945521873, ClinGen allele CA383718643.
Genomic context (GRCh38, chr12:6,935,734, plus strand): 5'-ACAGCCCTGGAAGTGTGGAGAATGACTCTGACTCATCTTCTGGCCTGTCCCAGGGCCCAG[C>T]CCGCCCCTACCACCCACCTCCACTCTTTCCTCCTTCCCCTCAACCGCCAGACAGCACCCC-3'
Protein context (NP_001931.2, residues 146-166): DSSSGLSQGP[Ala156Val]RPYHPPPLFP

ClinVar aggregate classification (germline): Uncertain significance (1 of 4 stars; one submission).

Allele frequency attached by ClinVar (database versions not stated): gnomAD 0.00001.
gnomAD v4.1: 1 of 1,613,732 alleles (0.000062%); highest among the groups gnomAD compares: African/African-American, 0.0013%; no homozygotes.

Submission:

GeneDx
Classification: Uncertain significance. Last evaluated: 2022-10-10. Review status: criteria provided, single submitter. Criteria: GeneDx Variant Classification Process June 2021. Collection method: clinical testing. Allele origin: germline. Affected: yes.
Comment: Not observed at significant frequency in large population cohorts (gnomAD); In silico analysis supports that this missense variant does not alter protein structure/function; Has not been previously published as pathogenic or benign to our knowledge